The following is an entry in ClinVar:

ClinVar aggregate classification (germline): Pathogenic (1 of 4 stars; one submission).

Conditions:
Hereditary fructosuria. Also called: ALDOB DEFICIENCY; ALDOLASE B DEFICIENCY; FRUCTOSE-1,6-BISPHOSPHATE ALDOLASE B DEFICIENCY; FRUCTOSE-1-PHOSPHATE ALDOLASE DEFICIENCY; FRUCTOSEMIA; Hereditary fructose intolerance. Identifiers: Orphanet 469, MedGen C0016751, MONDO:0009249, OMIM 229600, HP:0005973. Disease mechanism: loss of function.

Submission:

Labcorp Genetics (formerly Invitae), Labcorp
Classification: Pathogenic for Hereditary fructosuria. Last evaluated: 2022-03-29. Review status: criteria provided, single submitter. Criteria: Invitae Variant Classification Sherloc (09022015). Collection method: clinical testing. Allele origin: unknown.
Comment: For these reasons, this variant has been classified as Pathogenic. This variant disrupts a region of the ALDOB protein in which other variant(s) (p.Ala175Asp) have been determined to be pathogenic (PMID: 1967768, 10625657, 12417303, 15880727, 18541450, 26937407). This suggests that this is a clinically significant region of the protein, and that variants that disrupt it are likely to be disease-causing. This variant has not been reported in the literature in individuals affected with ALDOB-related conditions. This variant results in the deletion of exons 6-9 and part of exon 5 (c.443_*14825del) of the ALDOB gene. While this deletion is not anticipated to lead to nonsense mediated decay, it is expected to alter mRNA translation or result in a truncated protein product.

Literature cited by the submitters: PubMed 1967768; PubMed 10625657; PubMed 12417303; PubMed 15880727; PubMed 18541450; PubMed 26937407.

NC_000009.11:g.(?_104169266)_(104189861_?)del

Genes: ALDOB (aldolase, fructose-bisphosphate B; minus strand), ZNF189 (zinc finger protein 189; plus strand). Cytogenetic location: 9q31.1.
Variant type: Deletion.
Identifiers: ClinVar variation 3245067 (VCV003245067.1).